The following is an entry in ClinVar:

ClinVar aggregate classification (germline): Uncertain significance (1 of 4 stars; one submission).

Allele frequency attached by ClinVar (database versions not stated): TOPMed 0.00001.
gnomAD v4.1: 3 of 1,549,164 alleles (0.00019%); highest among the groups gnomAD compares: Middle Eastern, 0.017%; no homozygotes.

Submission:

Labcorp Genetics (formerly Invitae), Labcorp
Classification: Uncertain significance. Last evaluated: 2022-07-03. Review status: criteria provided, single submitter. Criteria: Invitae Variant Classification Sherloc (09022015). Collection method: clinical testing. Allele origin: germline.
Comment: In summary, the available evidence is currently insufficient to determine the role of this variant in disease. Therefore, it has been classified as a Variant of Uncertain Significance. Algorithms developed to predict the effect of missense changes on protein structure and function are either unavailable or do not agree on the potential impact of this missense change (SIFT: "Deleterious"; PolyPhen-2: "Possibly Damaging"; Align-GVGD: "Class C0"). This variant has not been reported in the literature in individuals affected with ZNF469-related conditions. This variant is not present in population databases (gnomAD no frequency). This sequence change replaces glycine, which is neutral and non-polar, with serine, which is neutral and polar, at codon 2116 of the ZNF469 protein (p.Gly2116Ser).

NM_001367624.2(ZNF469):c.6430G>A (p.Gly2144Ser)

Gene: ZNF469 (zinc finger protein 469; plus strand). Cytogenetic location: 16q24.2.
Variant type: single nucleotide variant.
Coding change: c.6430G>A on transcript NM_001367624.2 (MANE Select); coding-DNA position 6430, G replaced by A.
Protein change: p.Gly2144Ser; replaces glycine 2144 with serine.
Molecular consequence: missense variant.
Genome position (GRCh38, 1-based): chr16:88,433,900, G>A. VCF-style: chr16-88433900-G-A. GRCh37 (hg19) VCF-style: chr16-88500308-G-A.
Other names: short protein forms G2144S.
Identifiers: ClinVar variation 2013791 (VCV002013791.2), dbSNP rs1906378638, ClinGen allele CA397105876.
Genomic context (GRCh38, chr16:88,433,900, plus strand): 5'-CCCTGCAGCCTTGGGCCCCTGCCCCGTGAAGACCCACTTACCTCGCCTTCCAGGGCCCAA[G>A]GTGGGCTGGGGGGGCAGCTGCCAGCATCTCCGTCCTGCAGGGACCCTCCCGGCCCCCAGC-3'
Protein context (NP_001354553.1, residues 2134-2154): DPLTSPSRAQ[Gly2144Ser]GLGGQLPASP